The following is an entry in ClinVar:

ClinVar aggregate classification (germline): Uncertain significance (1 of 4 stars; one submission).

Submission:

Labcorp Genetics (formerly Invitae), Labcorp
Classification: Uncertain significance. Last evaluated: 2025-06-15. Review status: criteria provided, single submitter. Criteria: Invitae Variant Classification Sherloc (09022015). Collection method: clinical testing. Allele origin: germline.
Comment: This sequence change replaces aspartic acid, which is acidic and polar, with asparagine, which is neutral and polar, at codon 319 of the COMP protein (p.Asp319Asn). This variant is not present in population databases (gnomAD no frequency). This variant has not been reported in the literature in individuals affected with COMP-related conditions. ClinVar contains an entry for this variant (Variation ID: 1512769). Invitae Evidence Modeling of protein sequence and biophysical properties (such as structural, functional, and spatial information, amino acid conservation, physicochemical variation, residue mobility, and thermodynamic stability) indicates that this missense variant is expected to disrupt COMP protein function with a positive predictive value of 80%. This variant disrupts the p.Asp319 amino acid residue in COMP. Other variant(s) that disrupt this residue have been observed in individuals with COMP-related conditions (PMID: 21965141, 23744324), which suggests that this may be a clinically significant amino acid residue. In summary, the available evidence is currently insufficient to determine the role of this variant in disease. Therefore, it has been classified as a Variant of Uncertain Significance.

Literature cited by the submitters: PubMed 21965141; PubMed 23744324.

NM_000095.3(COMP):c.955G>A (p.Asp319Asn)

Gene: COMP (cartilage oligomeric matrix protein; minus strand). Cytogenetic location: 19p13.11.
Variant type: single nucleotide variant.
Coding change: c.955G>A on transcript NM_000095.3 (MANE Select); coding-DNA position 955, G replaced by A.
Protein change: p.Asp319Asn; replaces aspartic acid 319 with asparagine.
Molecular consequence: missense variant.
Genome position (GRCh38, 1-based): chr19:18,788,232, C>T on the plus strand (G>A on the coding strand, the complement: COMP is on the minus strand). VCF-style: chr19-18788232-C-T. GRCh37 (hg19) VCF-style: chr19-18899041-C-T.
Other names: short protein forms D319N.
Identifiers: ClinVar variation 1512769 (VCV001512769.8), dbSNP rs2145903152, ClinGen allele CA404890954.